The following is an entry in ClinVar:

NM_001378457.1(DMXL2):c.7417_7418dup (p.Ile2475fs)

Gene: DMXL2 (Dmx like 2; minus strand). Cytogenetic location: 15q21.2.
Variant type: Duplication.
Coding change: c.7417_7418dup on transcript NM_001378457.1 (MANE Select); coding-DNA positions 7417 to 7418, 2 bases duplicated (GG; older notation c.7417_7418dupGG).
Protein change: p.Ile2475fs; shifts the reading frame from isoleucine 2475.
Molecular consequence: frameshift variant. On other transcripts: non-coding transcript variant (2).
Genome position (GRCh38, 1-based): chr15:51,466,286-51,466,287, CC duplicated on the plus strand (GG on the coding strand, the reverse complement: DMXL2 is on the minus strand). VCF-style (leftmost placement, unchanged base first): chr15-51466285-A-ACC. GRCh37 (hg19) VCF-style: chr15-51758482-A-ACC.
Other names: c.7417_7418dup, p.Ile2475fs (NM_001174116.3, NM_001378459.1, NM_001378461.1 and 1 more transcripts); c.5506_5507dup, p.Ile1838fs (NM_001174117.3); c.7414_7415dup, p.Ile2474fs (NM_001378458.1, NM_001378462.1, NM_015263.5); c.5395_5396dup, p.Ile1801fs (NM_001378460.1); c.7174_7175dup, p.Ile2394fs (NM_001378464.1); short protein forms I2394fs, I1838fs, I2474fs, I1801fs, I2475fs.
Identifiers: ClinVar variation 3661775 (VCV003661775.2).
Genomic context (GRCh38, chr15:51,466,285, plus strand): 5'-TGAAAAAAAGGCATCATCTTCTTCATCACTATGAATGCTTTCATCAGAATCATATATAAC[A>ACC]CCACTATCAGACAAAGGAAGAAATGGCTGCAATAAAAGGTAAAATTATTTTTTTAAAGAT-3'

ClinVar aggregate classification (germline): Pathogenic (1 of 4 stars; one submission).

Submission:

Labcorp Genetics (formerly Invitae), Labcorp
Classification: Pathogenic. Last evaluated: 2024-08-08. Review status: criteria provided, single submitter. Criteria: Invitae Variant Classification Sherloc (09022015). Collection method: clinical testing. Allele origin: germline.
Comment: This sequence change creates a premature translational stop signal (p.Ile2475Leufs*40) in the DMXL2 gene. It is expected to result in an absent or disrupted protein product. Loss-of-function variants in DMXL2 are known to be pathogenic (PMID: 30237576, 31688942). This variant is not present in population databases (gnomAD no frequency). This variant has not been reported in the literature in individuals affected with DMXL2-related conditions. For these reasons, this variant has been classified as Pathogenic.

Literature cited by the submitters: PubMed 30237576; PubMed 31688942.